The following is an entry in ClinVar:

ClinVar aggregate classification (germline): Pathogenic. Review status: criteria provided, multiple submitters, no conflicts (2 of 4 stars). 3 submissions from 3 submitters: Pathogenic (3). Last evaluated 2024-08-04.

Conditions:
Ataxia-telangiectasia syndrome (AT). Also called: ATAXIA-TELANGIECTASIA, COMPLEMENTATION GROUP A; ATAXIA-TELANGIECTASIA, FRESNO VARIANT; Ataxia-telangiectasia; Ataxia-telangiectasia, complementation group E; LOUIS-BAR SYNDROME; Cerebello-oculocutaneous telangiectasia. Identifiers: Orphanet 100, MedGen C0004135, MONDO:0008840, OMIM 208900.
Hereditary cancer-predisposing syndrome. Also called: Tumor predisposition; Hereditary Cancer Syndrome; Hereditary neoplastic syndrome; Neoplastic Syndromes, Hereditary. Identifiers: Orphanet 140162, MedGen C0027672, MeSH D009386, MONDO:0015356.
Familial cancer of breast. Also called: BREAST CANCER, FAMILIAL; hereditary breast carcinoma; Hereditary breast cancer. Identifiers: Orphanet 227535, MedGen C0346153, MONDO:0016419, OMIM 114480. Disease mechanism: loss of function.

Submissions (3):

Labcorp Genetics (formerly Invitae), Labcorp
Classification: Pathogenic for Ataxia-telangiectasia syndrome. Last evaluated: 2024-08-04. Review status: criteria provided, single submitter. Criteria: Invitae Variant Classification Sherloc (09022015). Collection method: clinical testing. Allele origin: germline.
Comment: This sequence change creates a premature translational stop signal (p.Glu2221Leufs*10) in the ATM gene. It is expected to result in an absent or disrupted protein product. Loss-of-function variants in ATM are known to be pathogenic (PMID: 23807571, 25614872). This variant is not present in population databases (gnomAD no frequency). This variant has not been reported in the literature in individuals affected with ATM-related conditions. ClinVar contains an entry for this variant (Variation ID: 2107981). For these reasons, this variant has been classified as Pathogenic.

Ambry Genetics
Classification: Pathogenic for Hereditary cancer-predisposing syndrome. Last evaluated: 2024-03-21. Review status: criteria provided, single submitter. Criteria: Ambry Variant Classification Scheme 2023. Collection method: clinical testing. Allele origin: germline.
Comment: The c.6661_6673delGAGCCTATCATGG pathogenic mutation, located in coding exon 45 of the ATM gene, results from a deletion of 13 nucleotides at nucleotide positions 6661 to 6673, causing a translational frameshift with a predicted alternate stop codon (p.E2221Lfs*10). This alteration is expected to result in loss of function by premature protein truncation or nonsense-mediated mRNA decay. This variant is considered to be rare based on population cohorts in the Genome Aggregation Database (gnomAD). As such, this alteration is interpreted as a disease-causing mutation.

Myriad Genetics, Inc.
Classification: Pathogenic for Familial cancer of breast. Last evaluated: 2024-01-30. Review status: criteria provided, single submitter. Criteria: Myriad Autosomal Dominant, Autosomal Recessive and X-Linked Classification Criteria (2023). Collection method: clinical testing. Allele origin: unknown.
Comment: This variant is considered pathogenic. This variant creates a frameshift predicted to result in premature protein truncation.

Literature cited by the submitters: PubMed 23807571 (cited by Labcorp Genetics (formerly Invitae), Labcorp); PubMed 25614872 (cited by Labcorp Genetics (formerly Invitae), Labcorp).

NM_000051.4(ATM):c.6661_6673del (p.Glu2221fs)

Genes: ATM (ATM serine/threonine kinase; plus strand), C11orf65 (chromosome 11 open reading frame 65; minus strand). Cytogenetic location: 11q22.3.
Variant type: Deletion.
Coding change: c.6661_6673del on transcript NM_000051.4 (MANE Select); coding-DNA positions 6661 to 6673, 13 bases deleted (GAGCCTATCATGG).
Protein change: p.Glu2221fs; shifts the reading frame from glutamic acid 2221.
Molecular consequence: frameshift variant. On other transcripts: intron variant (2).
Genome position (GRCh38, 1-based): chr11:108,325,398-108,325,410, GAGCCTATCATGG deleted; deleting any 13 consecutive bases within chr11:108,325,397-108,325,410 gives the same sequence; the c. name uses the placement nearest the transcript's 3' end. VCF-style (leftmost placement, unchanged base first): chr11-108325396-AGGAGCCTATCATG-A. GRCh37 (hg19) VCF-style: chr11-108196123-AGGAGCCTATCATG-A.
Other names: c.6661_6673del, p.Glu2221fs (NM_001351834.2); c.641-16338_641-16326del (NM_001330368.2); c.*38+9811_*38+9823del (NM_001351110.2); short protein forms E2221fs.
Identifiers: ClinVar variation 2107981 (VCV002107981.6), dbSNP rs2547202099, ClinGen allele CA2580083045.
Genomic context (GRCh38, chr11:108,325,396, plus strand): 5'-AAGTATATATTAAGTGGCAGAAACACTCCCAGCTTCTCAAGGACAGTGATTTTAGTTTTC[AGGAGCCTATCATG>A]GCTCTACGCACAGTCATTTTGGAGATCCTGATGGAAAAGGAAATGGACAACTCACAAAGA-3'